The following is an entry in ClinVar:

NM_139027.6(ADAMTS13):c.1340C>T (p.Ser447Leu)

Gene: ADAMTS13 (ADAM metallopeptidase with thrombospondin type 1 motif 13; plus strand). Cytogenetic location: 9q34.2.
Variant type: single nucleotide variant.
Coding change: c.1340C>T on transcript NM_139027.6 (MANE Select); coding-DNA position 1340, C replaced by T.
Protein change: p.Ser447Leu; replaces serine 447 with leucine.
Molecular consequence: missense variant.
Genome position (GRCh38, 1-based): chr9:133,436,860, C>T. VCF-style: chr9-133436860-C-T. GRCh37 (hg19) VCF-style: chr9-136301980-C-T.
Other names: c.1340C>T, p.Ser447Leu (NM_139025.5); c.1247C>T, p.Ser416Leu (NM_139026.6); short protein forms S416L, S447L.
Identifiers: ClinVar variation 1987061 (VCV001987061.1), dbSNP rs782630536, ClinGen allele CA200929593.
Genomic context (GRCh38, chr9:133,436,860, plus strand): 5'-ATCCCCCTCCTCTGCCTCCTCCTGGCCAGGCCTGCGAGAAGACCCAGCTGGAGTTCATGT[C>T]GCAACAGTGCGCCAGGACCGACGGCCAGCCGCTGCGCTCCTCCCCTGGCGGCGCCTCCTT-3'
Protein context (NP_620596.2, residues 437-457): ACEKTQLEFM[Ser447Leu]QQCARTDGQP

ClinVar aggregate classification (germline): Uncertain significance (1 of 4 stars; one submission).

Allele frequency attached by ClinVar (database versions not stated): gnomAD 0.00001; gnomAD exomes 0.00001; ExAC 0.00005.
gnomAD v4.1: 14 of 1,574,132 alleles (0.00089%); highest among the groups gnomAD compares: Admixed American, 0.0036%; no homozygotes.

Submission:

Labcorp Genetics (formerly Invitae), Labcorp
Classification: Uncertain significance. Last evaluated: 2022-08-27. Review status: criteria provided, single submitter. Criteria: Invitae Variant Classification Sherloc (09022015). Collection method: clinical testing. Allele origin: germline.
Comment: This sequence change replaces serine, which is neutral and polar, with leucine, which is neutral and non-polar, at codon 447 of the ADAMTS13 protein (p.Ser447Leu). The frequency data for this variant in the population databases is considered unreliable, as metrics indicate poor data quality at this position in the gnomAD database. This variant has not been reported in the literature in individuals affected with ADAMTS13-related conditions. Algorithms developed to predict the effect of missense changes on protein structure and function are either unavailable or do not agree on the potential impact of this missense change (SIFT: "Deleterious"; PolyPhen-2: "Benign"; Align-GVGD: "Class C0"). In summary, the available evidence is currently insufficient to determine the role of this variant in disease. Therefore, it has been classified as a Variant of Uncertain Significance.